The following is an entry in ClinVar:

NM_005876.5(SPEG):c.3379G>A (p.Gly1127Ser)

Gene: SPEG (striated muscle enriched protein kinase; plus strand). Cytogenetic location: 2q35.
Variant type: single nucleotide variant.
Coding change: c.3379G>A on transcript NM_005876.5 (MANE Select); coding-DNA position 3379, G replaced by A.
Protein change: p.Gly1127Ser; replaces glycine 1127 with serine.
Molecular consequence: missense variant.
Genome position (GRCh38, 1-based): chr2:219,468,936, G>A. VCF-style: chr2-219468936-G-A. GRCh37 (hg19) VCF-style: chr2-220333658-G-A.
Other names: short protein forms G1127S.
Identifiers: ClinVar variation 1401265 (VCV001401265.8), dbSNP rs2125465586, ClinGen allele CA350746935.
Genomic context (GRCh38, chr2:219,468,936, plus strand): 5'-AGTGAGAACTTGCGGCTGCGGCAGGACGGGGGTCTGCACTCACTGCACATTGCCCATGTG[G>A]GCAGCGAGGACGAGGGGCTCTATGCGGTCAGTGCTGTTAACACCCATGGCCAGGCCCACT-3'
Protein context (NP_005867.3, residues 1117-1137): GLHSLHIAHV[Gly1127Ser]SEDEGLYAVS

ClinVar aggregate classification (germline): Uncertain significance (1 of 4 stars; one submission).

Submission:

Labcorp Genetics (formerly Invitae), Labcorp
Classification: Uncertain significance. Last evaluated: 2021-03-23. Review status: criteria provided, single submitter. Criteria: Invitae Variant Classification Sherloc (09022015). Collection method: clinical testing. Allele origin: germline.
Comment: In summary, the available evidence is currently insufficient to determine the role of this variant in disease. Therefore, it has been classified as a Variant of Uncertain Significance. Algorithms developed to predict the effect of sequence changes on RNA splicing suggest that this variant may create or strengthen a splice site, but this prediction has not been confirmed by published transcriptional studies. Algorithms developed to predict the effect of missense changes on protein structure and function output the following: SIFT: "Tolerated"; PolyPhen-2: "Benign"; Align-GVGD: "Class C0". The serine amino acid residue is found in multiple mammalian species, suggesting that this missense change does not adversely affect protein function. These predictions have not been confirmed by published functional studies and their clinical significance is uncertain. This variant has not been reported in the literature in individuals with SPEG-related conditions. This variant is not present in population databases (ExAC no frequency). This sequence change replaces glycine with serine at codon 1127 of the SPEG protein (p.Gly1127Ser). The glycine residue is highly conserved and there is a small physicochemical difference between glycine and serine.